The following is an entry in ClinVar:

ClinVar aggregate classification (germline): Uncertain significance (1 of 4 stars; one submission).

Submission:

Labcorp Genetics (formerly Invitae), Labcorp
Classification: Uncertain significance. Last evaluated: 2025-08-08. Review status: criteria provided, single submitter. Criteria: Invitae Variant Classification Sherloc (09022015). Collection method: clinical testing. Allele origin: germline.
Comment: This sequence change falls in intron 23 of the VAV1 gene. It does not directly change the encoded amino acid sequence of the VAV1 protein. This variant is not present in population databases (gnomAD no frequency). This variant has not been reported in the literature in individuals affected with VAV1-related conditions. Experimental studies and prediction algorithms are not available or were not evaluated, and the effect of this variant on mRNA splicing is currently unknown. In summary, the available evidence is currently insufficient to determine the role of this variant in disease. Therefore, it has been classified as a Variant of Uncertain Significance.

NM_005428.4(VAV1):c.2130-51_2130-16del

Gene: VAV1 (vav guanine nucleotide exchange factor 1; plus strand). Cytogenetic location: 19p13.3.
Variant type: Deletion.
Coding change: c.2130-51_2130-16del on transcript NM_005428.4 (MANE Select); 51 bases into the intron before coding-DNA position 2130 through 16 bases into the intron before coding-DNA position 2130, 36 bases deleted.
Molecular consequence: intron variant.
Genome position (GRCh38, 1-based): chr19:6,850,619-6,850,654, 36 bases deleted; deleting any 36 consecutive bases within chr19:6,850,615-6,850,654 gives the same sequence; the c. name uses the placement nearest the transcript's 3' end. GRCh37 (hg19): chr19:6,850,630-6,850,665.
Other names: c.2064-51_2064-16del (NM_001258206.2); c.2034-51_2034-16del (NM_001258207.2).
Identifiers: ClinVar variation 4725041 (VCV004725041.1).